The following is an entry in ClinVar:

NM_005751.5(AKAP9):c.9776T>G (p.Leu3259Arg)

Gene: AKAP9 (A-kinase anchoring protein 9; plus strand). Cytogenetic location: 7q21.2.
Variant type: single nucleotide variant.
Coding change: c.9776T>G on transcript NM_005751.5 (MANE Select); coding-DNA position 9776, T replaced by G.
Protein change: p.Leu3259Arg; replaces leucine 3259 with arginine.
Molecular consequence: missense variant.
Genome position (GRCh38, 1-based): chr7:92,096,735, T>G. VCF-style: chr7-92096735-T-G. GRCh37 (hg19) VCF-style: chr7-91726049-T-G.
Other names: c.4421T>G, p.Leu1474Arg (NM_001379277.1); c.9752T>G, p.Leu3251Arg (NM_147185.3); short protein forms L3259R, L3251R, L1474R.
Identifiers: ClinVar variation 4740177 (VCV004740177.1).

ClinVar aggregate classification (germline): Uncertain significance (1 of 4 stars; one submission).

Conditions:
Long QT syndrome (LQTS). Identifiers: MedGen C0023976, MeSH D008133, MONDO:0002442. Disease mechanism: loss of function. Inheritance: Various modes of inheritance.

Submission:

Labcorp Genetics (formerly Invitae), Labcorp
Classification: Uncertain significance for Long QT syndrome. Last evaluated: 2026-01-09. Review status: criteria provided, single submitter. Criteria: Invitae Variant Classification Sherloc (09022015). Collection method: clinical testing. Allele origin: germline.
Comment: This sequence change replaces leucine, which is neutral and non-polar, with arginine, which is basic and polar, at codon 3259 of the AKAP9 protein (p.Leu3259Arg). This variant is not present in population databases (gnomAD no frequency). This variant has not been reported in the literature in individuals affected with AKAP9-related conditions. An algorithm developed to predict the effect of missense changes on protein structure and function (PolyPhen-2) suggests that this variant is likely to be disruptive. In summary, the available evidence is currently insufficient to determine the role of this variant in disease. Therefore, it has been classified as a Variant of Uncertain Significance.